The following is an entry in ClinVar:

ClinVar aggregate classification (germline): Uncertain significance (1 of 4 stars; one submission).

Conditions:
Alagille syndrome due to a JAG1 point mutation. Also called: HEPATIC DUCTULAR HYPOPLASIA, SYNDROMATIC; Alagille Syndrome 1; JAG1-Related Alagille Syndrome. Identifiers: Orphanet 261619, Orphanet 52, MedGen C1956125, MONDO:0016862, OMIM 118450.

Submission:

Labcorp Genetics (formerly Invitae), Labcorp
Classification: Uncertain significance for Alagille syndrome due to a JAG1 point mutation. Last evaluated: 2025-11-25. Review status: criteria provided, single submitter. Criteria: Invitae Variant Classification Sherloc (09022015). Collection method: clinical testing. Allele origin: germline.
Comment: This sequence change replaces tyrosine, which is neutral and polar, with cysteine, which is neutral and slightly polar, at codon 541 of the JAG1 protein (p.Tyr541Cys). This variant is not present in population databases (gnomAD no frequency). This variant has not been reported in the literature in individuals affected with JAG1-related conditions. Invitae Evidence Modeling of protein sequence and biophysical properties (such as structural, functional, and spatial information, amino acid conservation, physicochemical variation, residue mobility, and thermodynamic stability) indicates that this missense variant is not expected to disrupt JAG1 protein function with a negative predictive value of 95%. In summary, the available evidence is currently insufficient to determine the role of this variant in disease. Therefore, it has been classified as a Variant of Uncertain Significance.

NM_000214.3(JAG1):c.1622A>G (p.Tyr541Cys)

Gene: JAG1 (jagged canonical Notch ligand 1; minus strand). Cytogenetic location: 20p12.2.
Variant type: single nucleotide variant.
Coding change: c.1622A>G on transcript NM_000214.3 (MANE Select); coding-DNA position 1622, A replaced by G.
Protein change: p.Tyr541Cys; replaces tyrosine 541 with cysteine.
Molecular consequence: missense variant.
Genome position (GRCh38, 1-based): chr20:10,648,058, T>C on the plus strand (A>G on the coding strand, the complement: JAG1 is on the minus strand). VCF-style: chr20-10648058-T-C. GRCh37 (hg19) VCF-style: chr20-10628706-T-C.
Other names: short protein forms Y541C.
Identifiers: ClinVar variation 4746333 (VCV004746333.1).